The following is an entry in ClinVar:

NM_001365999.1(SZT2):c.6289C>T (p.Arg2097Trp)

Gene: SZT2 (SZT2 subunit of KICSTOR complex; plus strand). Cytogenetic location: 1p34.2.
Variant type: single nucleotide variant.
Coding change: c.6289C>T on transcript NM_001365999.1 (MANE Select); coding-DNA position 6289, C replaced by T.
Protein change: p.Arg2097Trp; replaces arginine 2097 with tryptophan.
Molecular consequence: missense variant.
Genome position (GRCh38, 1-based): chr1:43,437,507, C>T. VCF-style: chr1-43437507-C-T. GRCh37 (hg19) VCF-style: chr1-43903178-C-T.
Other names: c.6118C>T, p.Arg2040Trp (NM_015284.4); short protein forms R2097W, R2040W.
Identifiers: ClinVar variation 949516 (VCV000949516.12), dbSNP rs1557582244, ClinGen allele CA340029054.

ClinVar aggregate classification (germline): Uncertain significance. Review status: criteria provided, multiple submitters, no conflicts (2 of 4 stars). 3 submissions from 3 submitters: Uncertain significance (3). Last evaluated 2023-04-11.

Conditions:
Developmental and epileptic encephalopathy, 18 (DEE18). Also called: Early infantile epileptic encephalopathy 18. Identifiers: Orphanet 369894, MedGen C3809624, MONDO:0014201, OMIM 615476.

Allele frequency attached by ClinVar (database versions not stated): gnomAD exomes below 0.00001 and 0.00001.
gnomAD v4.1: 3 of 1,614,088 alleles (0.00019%); highest among the groups gnomAD compares: East Asian, 0.0022%; no homozygotes.

Submissions (3):

Genome-Nilou Lab
Classification: Uncertain significance for Developmental and epileptic encephalopathy, 18. Last evaluated: 2023-04-11. Review status: criteria provided, single submitter. Criteria: ACMG Guidelines, 2015. Collection method: clinical testing. Allele origin: germline. Affected: no.

Labcorp Genetics (formerly Invitae), Labcorp
Classification: Uncertain significance. Last evaluated: 2022-02-08. Review status: criteria provided, single submitter. Criteria: Invitae Variant Classification Sherloc (09022015). Collection method: clinical testing. Allele origin: germline.
Comment: In summary, the available evidence is currently insufficient to determine the role of this variant in disease. Therefore, it has been classified as a Variant of Uncertain Significance. Algorithms developed to predict the effect of sequence changes on RNA splicing suggest that this variant may disrupt the consensus splice site. Algorithms developed to predict the effect of missense changes on protein structure and function (SIFT, PolyPhen-2, Align-GVGD) all suggest that this variant is likely to be disruptive. ClinVar contains an entry for this variant (Variation ID: 949516). This variant has not been reported in the literature in individuals affected with SZT2-related conditions. This variant is not present in population databases (gnomAD no frequency). This sequence change replaces arginine, which is basic and polar, with tryptophan, which is neutral and slightly polar, at codon 2040 of the SZT2 protein (p.Arg2040Trp).

GeneDx
Classification: Uncertain significance. Last evaluated: 2019-08-21. Review status: criteria provided, single submitter. Criteria: GeneDx Variant Classification Process June 2021. Collection method: clinical testing. Allele origin: germline. Affected: yes.
Comment: Not observed at a significant frequency in large population cohorts (Lek et al., 2016); In silico analysis, which includes protein predictors and evolutionary conservation, supports a deleterious effect; Has not been previously published as pathogenic or benign to our knowledge